The following is an entry in ClinVar:

NM_000051.4(ATM):c.72+9T>C

Gene: ATM (ATM serine/threonine kinase; plus strand). Cytogenetic location: 11q22.3.
Variant type: single nucleotide variant.
Coding change: c.72+9T>C on transcript NM_000051.4 (MANE Select); 9 bases into the intron after coding-DNA position 72, T replaced by C.
Molecular consequence: intron variant.
Genome position (GRCh38, 1-based): chr11:108,227,705, T>C. VCF-style: chr11-108227705-T-C. GRCh37 (hg19) VCF-style: chr11-108098432-T-C.
Other names: c.72+9T>C (NM_001351834.2, NM_001351835.2, NM_001351836.2).
Identifiers: ClinVar variation 1645331 (VCV001645331.9), dbSNP rs2135007450, ClinGen allele CA2573146405.

ClinVar aggregate classification (germline): Likely benign. Review status: criteria provided, multiple submitters, no conflicts (2 of 4 stars). 2 submissions from 2 submitters: Likely benign (2). Last evaluated 2024-04-17.

Conditions:
Familial cancer of breast. Also called: Hereditary breast cancer; hereditary breast carcinoma; BREAST CANCER, FAMILIAL. Identifiers: Orphanet 227535, MedGen C0346153, MONDO:0016419, OMIM 114480. Disease mechanism: loss of function.
Ataxia-telangiectasia syndrome (AT). Also called: ATAXIA-TELANGIECTASIA, COMPLEMENTATION GROUP A; Ataxia-telangiectasia; Ataxia telangiectasia (A-T); Cerebello-oculocutaneous telangiectasia; Immunodeficiency with ataxia telangiectasia; LOUIS-BAR SYNDROME. Identifiers: Orphanet 100, MedGen C0004135, MONDO:0008840, OMIM 208900.

Submissions (2):

Myriad Genetics, Inc.
Classification: Likely benign for Familial cancer of breast. Last evaluated: 2024-04-17. Review status: criteria provided, single submitter. Criteria: Myriad Autosomal Dominant, Autosomal Recessive and X-Linked Classification Criteria (2023). Collection method: clinical testing. Allele origin: unknown.
Comment: This variant is considered likely benign. This variant is intronic and is not expected to impact mRNA splicing.

Labcorp Genetics (formerly Invitae), Labcorp
Classification: Likely benign for Ataxia-telangiectasia syndrome. Last evaluated: 2021-07-29. Review status: criteria provided, single submitter. Criteria: Invitae Variant Classification Sherloc (09022015). Collection method: clinical testing. Allele origin: germline.